The following is an entry in ClinVar:

ClinVar aggregate classification (germline): Uncertain significance. Review status: criteria provided, multiple submitters, no conflicts (2 of 4 stars). 2 submissions from 2 submitters: Uncertain significance (2). Last evaluated 2025-03-27.

gnomAD v4.1: 19 of 1,551,764 alleles (0.0012%); highest among the groups gnomAD compares: Admixed American, 0.022%; no homozygotes.

Submissions (2):

Labcorp Genetics (formerly Invitae), Labcorp
Classification: Uncertain significance. Last evaluated: 2025-03-27. Review status: criteria provided, single submitter. Criteria: Invitae Variant Classification Sherloc (09022015). Collection method: clinical testing. Allele origin: germline.
Comment: This sequence change replaces valine, which is neutral and non-polar, with alanine, which is neutral and non-polar, at codon 6 of the DSTYK protein (p.Val6Ala). This variant is present in population databases (no rsID available, gnomAD 0.01%). This variant has not been reported in the literature in individuals affected with DSTYK-related conditions. An algorithm developed to predict the effect of missense changes on protein structure and function outputs the following: PolyPhen-2: "Benign". The alanine amino acid residue is found in multiple mammalian species, which suggests that this missense change does not adversely affect protein function. In summary, the available evidence is currently insufficient to determine the role of this variant in disease. Therefore, it has been classified as a Variant of Uncertain Significance.

Ambry Genetics
Classification: Uncertain significance. Last evaluated: 2025-02-11. Review status: criteria provided, single submitter. Criteria: Ambry Variant Classification Scheme 2023. Collection method: clinical testing. Allele origin: germline.

NM_015375.3(DSTYK):c.17T>C (p.Val6Ala)

Genes: DSTYK (dual serine/threonine and tyrosine protein kinase; minus strand), LOC129932301 (ATAC-STARR-seq lymphoblastoid silent region 1734; plus strand). Cytogenetic location: 1q32.1.
Variant type: single nucleotide variant.
Coding change: c.17T>C on transcript NM_015375.3 (MANE Select); coding-DNA position 17, T replaced by C.
Protein change: p.Val6Ala; replaces valine 6 with alanine.
Molecular consequence: missense variant.
Genome position (GRCh38, 1-based): chr1:205,211,519, A>G on the plus strand (T>C on the coding strand, the complement: DSTYK is on the minus strand). VCF-style: chr1-205211519-A-G. GRCh37 (hg19) VCF-style: chr1-205180647-A-G.
Other names: c.17T>C, p.Val6Ala (NM_199462.3); c.17T>C (NM_015375.2); short protein forms V6A.
Identifiers: ClinVar variation 3707082 (VCV003707082.3).